The following is an entry in ClinVar:

ClinVar aggregate classification (germline): Uncertain significance (1 of 4 stars; one submission).

Conditions:
SEMA3G-related disorder. Also called: SEMA3G-related condition.

gnomAD v4.1: 2 of 1,613,792 alleles (0.00012%); highest among the groups gnomAD compares: Non-Finnish European, 0.00017%; no homozygotes.

Submission:

PreventionGenetics, part of Exact Sciences
Classification: Uncertain significance for SEMA3G-related condition. Last evaluated: 2026-03-31. Review status: criteria provided, single submitter. Criteria: ACMG Guidelines, 2015. Collection method: clinical testing. Allele origin: germline.
Comment: The SEMA3G c.754C>A variant is predicted to result in the amino acid substitution p.Pro252Thr. To our knowledge, this variant has not been reported in the literature or in a large population database (gnomAD), indicating this variant is rare. At this time, the clinical significance of this variant is uncertain due to the absence of conclusive functional and genetic evidence.

NM_020163.3(SEMA3G):c.754C>A (p.Pro252Thr)

Gene: SEMA3G (semaphorin 3G; minus strand). Cytogenetic location: 3p21.1.
Variant type: single nucleotide variant.
Coding change: c.754C>A on transcript NM_020163.3 (MANE Select); coding-DNA position 754, C replaced by A.
Protein change: p.Pro252Thr; replaces proline 252 with threonine.
Molecular consequence: missense variant.
Genome position (GRCh38, 1-based): chr3:52,441,323, G>T on the plus strand (C>A on the coding strand, the complement: SEMA3G is on the minus strand). VCF-style: chr3-52441323-G-T. GRCh37 (hg19) VCF-style: chr3-52475339-G-T.
Other names: short protein forms P252T.
Identifiers: ClinVar variation 4994518 (VCV004994518.1).